The following is an entry in ClinVar:

NM_013328.4(PYCR2):c.439C>T (p.Gln147Ter)

Gene: PYCR2 (pyrroline-5-carboxylate reductase 2; minus strand). Cytogenetic location: 1q42.12.
Variant type: single nucleotide variant.
Coding change: c.439C>T on transcript NM_013328.4 (MANE Select); coding-DNA position 439, C replaced by T.
Protein change: p.Gln147Ter; replaces glutamine 147 with a stop codon.
Molecular consequence: nonsense. On other transcripts: intron variant (1).
Genome position (GRCh38, 1-based): chr1:225,921,959, G>A on the plus strand (C>T on the coding strand, the complement: PYCR2 is on the minus strand). VCF-style: chr1-225921959-G-A. GRCh37 (hg19) VCF-style: chr1-226109659-G-A.
Other names: c.318+245C>T (NM_001271681.2); short protein forms Q147*.
Identifiers: ClinVar variation 3644048 (VCV003644048.2).

ClinVar aggregate classification (germline): Pathogenic (1 of 4 stars; one submission).

gnomAD v4.1: 7 of 1,613,996 alleles (0.00043%); highest among the groups gnomAD compares: Non-Finnish European, 0.00042%; no homozygotes.

Submission:

Labcorp Genetics (formerly Invitae), Labcorp
Classification: Pathogenic. Last evaluated: 2024-03-02. Review status: criteria provided, single submitter. Criteria: Invitae Variant Classification Sherloc (09022015). Collection method: clinical testing. Allele origin: germline.
Comment: This sequence change creates a premature translational stop signal (p.Gln147*) in the PYCR2 gene. It is expected to result in an absent or disrupted protein product. Loss-of-function variants in PYCR2 are known to be pathogenic (PMID: 25865492, 27860360). This variant is present in population databases (no rsID available, gnomAD 0.004%). This variant has not been reported in the literature in individuals affected with PYCR2-related conditions. For these reasons, this variant has been classified as Pathogenic.

Literature cited by the submitters: PubMed 25865492; PubMed 27860360.